The following is an entry in ClinVar:

ClinVar aggregate classification (germline): Pathogenic (1 of 4 stars; one submission).

Submission:

Labcorp Genetics (formerly Invitae), Labcorp
Classification: Pathogenic. Last evaluated: 2025-07-10. Review status: criteria provided, single submitter. Criteria: Invitae Variant Classification Sherloc (09022015). Collection method: clinical testing. Allele origin: germline.
Comment: This sequence change creates a premature translational stop signal (p.Val1938Glyfs*15) in the SPTB gene. It is expected to result in an absent or disrupted protein product. Loss-of-function variants in SPTB are known to be pathogenic (PMID: 1391962, 1498324, 8844207, 26830532, 27292444). This variant is not present in population databases (gnomAD no frequency). This variant has not been reported in the literature in individuals affected with SPTB-related conditions. For these reasons, this variant has been classified as Pathogenic.

Literature cited by the submitters: PubMed 1391962; PubMed 1498324; PubMed 8844207; PubMed 26830532; PubMed 27292444.

NM_001355436.2(SPTB):c.5813_5814del (p.Val1938fs)

Gene: SPTB (spectrin beta, erythrocytic; minus strand). Cytogenetic location: 14q23.3.
Variant type: Microsatellite.
Coding change: c.5813_5814del on transcript NM_001355436.2 (MANE Select); coding-DNA positions 5813 to 5814, 2 bases deleted (TG; older notation c.5813_5814delTG).
Protein change: p.Val1938fs; shifts the reading frame from valine 1938.
Molecular consequence: frameshift variant.
Genome position (GRCh38, 1-based): chr14:64,769,713-64,769,714, CA deleted on the plus strand (TG on the coding strand, the reverse complement: SPTB is on the minus strand); deleting any 2 consecutive bases within chr14:64,769,713-64,769,716 gives the same sequence; the c. name uses the placement nearest the transcript's 3' end. VCF-style (leftmost placement, unchanged base first): chr14-64769712-CCA-C. GRCh37 (hg19) VCF-style: chr14-65236430-CCA-C.
Other names: c.5813_5814del, p.Val1938fs (NM_001024858.4, NM_001355437.2); short protein forms V1938fs.
Identifiers: ClinVar variation 4723017 (VCV004723017.1).